The following is an entry in ClinVar:

NM_152703.5(SAMD9L):c.4261C>T (p.His1421Tyr)

Gene: SAMD9L (sterile alpha motif domain containing 9 like; minus strand). Cytogenetic location: 7q21.2.
Variant type: single nucleotide variant.
Coding change: c.4261C>T on transcript NM_152703.5 (MANE Select); coding-DNA position 4261, C replaced by T.
Protein change: p.His1421Tyr; replaces histidine 1421 with tyrosine.
Molecular consequence: missense variant.
Genome position (GRCh38, 1-based): chr7:93,131,711, G>A on the plus strand (C>T on the coding strand, the complement: SAMD9L is on the minus strand). VCF-style: chr7-93131711-G-A. GRCh37 (hg19) VCF-style: chr7-92761024-G-A.
Other names: c.4261C>T, p.His1421Tyr (NM_001303496.3, NM_001303497.3, NM_001303498.3 and 5 more transcripts); short protein forms H1421Y.
Identifiers: ClinVar variation 1903418 (VCV001903418.5), dbSNP rs1260160127, ClinGen allele CA368175071.

ClinVar aggregate classification (germline): Uncertain significance (1 of 4 stars; one submission).

Allele frequency attached by ClinVar (database versions not stated): gnomAD 0.00001.
gnomAD v4.1: 1 of 1,613,682 alleles (0.000062%); highest among the groups gnomAD compares: African/African-American, 0.0013%; no homozygotes.

Submission:

Labcorp Genetics (formerly Invitae), Labcorp
Classification: Uncertain significance. Last evaluated: 2024-11-05. Review status: criteria provided, single submitter. Criteria: Invitae Variant Classification Sherloc (09022015). Collection method: clinical testing. Allele origin: germline.
Comment: This sequence change replaces histidine, which is basic and polar, with tyrosine, which is neutral and polar, at codon 1421 of the SAMD9L protein (p.His1421Tyr). This variant is present in population databases (no rsID available, gnomAD 0.01%). This variant has not been reported in the literature in individuals affected with SAMD9L-related conditions. ClinVar contains an entry for this variant (Variation ID: 1903418). Invitae Evidence Modeling of protein sequence and biophysical properties (such as structural, functional, and spatial information, amino acid conservation, physicochemical variation, residue mobility, and thermodynamic stability) indicates that this missense variant is not expected to disrupt SAMD9L protein function with a negative predictive value of 80%. In summary, the available evidence is currently insufficient to determine the role of this variant in disease. Therefore, it has been classified as a Variant of Uncertain Significance.